The following is an entry in ClinVar:

NM_198252.3(GSN):c.980C>T (p.Ser327Leu)

Gene: GSN (gelsolin; plus strand). Cytogenetic location: 9q33.2.
Variant type: single nucleotide variant.
Coding change: c.980C>T on transcript NM_198252.3 (MANE Select); coding-DNA position 980, C replaced by T.
Protein change: p.Ser327Leu; replaces serine 327 with leucine.
Molecular consequence: missense variant.
Genome position (GRCh38, 1-based): chr9:121,318,669, C>T. VCF-style: chr9-121318669-C-T. GRCh37 (hg19) VCF-style: chr9-124080947-C-T.
Other names: c.1133C>T, p.Ser378Leu (NM_000177.5); c.980C>T, p.Ser327Leu (NM_001127662.2, NM_001127664.2, NM_001127665.2 and 10 more transcripts); c.1088C>T, p.Ser363Leu (NM_001127663.2); c.1013C>T, p.Ser338Leu (NM_001127666.2, NM_001127667.2, NM_001353063.2 and 13 more transcripts); c.1031C>T, p.Ser344Leu (NM_001258029.2); c.1004C>T, p.Ser335Leu (NM_001258030.2); c.1052C>T, p.Ser351Leu (NM_001353076.2); c.326C>T, p.Ser109Leu (NM_001353078.2); short protein forms S109L, S363L, S378L, S327L, S335L, S338L, S344L, S351L.
Identifiers: ClinVar variation 3596407 (VCV003596407.3).

ClinVar aggregate classification (germline): Uncertain significance. Review status: criteria provided, multiple submitters, no conflicts (2 of 4 stars). 2 submissions from 2 submitters: Uncertain significance (2). Last evaluated 2024-05-31.

Conditions:
Finnish type amyloidosis. Also called: AMYLOID CRANIAL NEUROPATHY WITH LATTICE CORNEAL DYSTROPHY; AMYLOIDOSIS DUE TO MUTANT GELSOLIN; Lattice corneal dystrophy associated with familial systemic amyloidosis; Meretoja's syndrome; Lattice dystrophy of the cornea with hereditary generalized amyloidosis; Amyloidosis, familial, Finnish type. Identifiers: Orphanet 85448, MedGen C1622345, MONDO:0007097, OMIM 105120.

Submissions (2):

Labcorp Genetics (formerly Invitae), Labcorp
Classification: Uncertain significance. Last evaluated: 2024-05-31. Review status: criteria provided, single submitter. Criteria: Invitae Variant Classification Sherloc (09022015). Collection method: clinical testing. Allele origin: germline.
Comment: This sequence change replaces serine, which is neutral and polar, with leucine, which is neutral and non-polar, at codon 378 of the GSN protein (p.Ser378Leu). This variant is present in population databases (no rsID available, gnomAD 0.002%). This variant has not been reported in the literature in individuals affected with GSN-related conditions. Advanced modeling of protein sequence and biophysical properties (such as structural, functional, and spatial information, amino acid conservation, physicochemical variation, residue mobility, and thermodynamic stability) performed at Invitae indicates that this missense variant is expected to disrupt GSN protein function with a positive predictive value of 80%. In summary, the available evidence is currently insufficient to determine the role of this variant in disease. Therefore, it has been classified as a Variant of Uncertain Significance.

Fulgent Genetics
Classification: Uncertain significance for Finnish type amyloidosis. Last evaluated: 2024-03-28. Review status: criteria provided, single submitter. Criteria: ACMG Guidelines, 2015. Collection method: clinical testing. Allele origin: germline.